The following is an entry in ClinVar:

NM_001267550.2(TTN):c.24322A>G (p.Lys8108Glu)

Gene: TTN (titin; minus strand). Cytogenetic location: 2q31.2.
Variant type: single nucleotide variant.
Coding change: c.24322A>G on transcript NM_001267550.2 (MANE Select); coding-DNA position 24322, A replaced by G.
Protein change: p.Lys8108Glu; replaces lysine 8108 with glutamic acid.
Molecular consequence: missense variant. On other transcripts: intron variant (3).
Genome position (GRCh38, 1-based): chr2:178,718,878, T>C on the plus strand (A>G on the coding strand, the complement: TTN is on the minus strand). VCF-style: chr2-178718878-T-C. GRCh37 (hg19) VCF-style: chr2-179583605-T-C.
Other names: c.23371A>G, p.Lys7791Glu (NM_001256850.1); c.20590A>G, p.Lys6864Glu (NM_133378.4); c.13282+19204A>G (NM_003319.4); c.13858+19204A>G (NM_133437.4); c.13657+19204A>G (NM_133432.3); short protein forms K6864E, K8108E, K7791E.
Identifiers: ClinVar variation 501830 (VCV000501830.8), dbSNP rs776437978, ClinGen allele CA2000451.

ClinVar aggregate classification (germline): Uncertain significance. Review status: criteria provided, multiple submitters, no conflicts (2 of 4 stars). 3 submissions from 3 submitters: Uncertain significance (3). Last evaluated 2026-07-06.

Conditions:
TTN-related disorder. Also called: TTN-related condition; TTN-related disease; TTN-related disorders.
Myopathy, myofibrillar, 9, with early respiratory failure (MFM9). Also called: Hereditary myopathy with early respiratory failure; EDSTROM MYOPATHY; MYOPATHY, PROXIMAL, WITH EARLY RESPIRATORY MUSCLE INVOLVEMENT; Myopathy, distal, with early respiratory failure, autosomal dominant. Identifiers: Orphanet 178464, Orphanet 34521, MedGen C1863599, MONDO:0011362, OMIM 603689.
Autosomal recessive limb-girdle muscular dystrophy type 2J (LGMDR10). Also called: Limb-girdle muscular dystrophy, type 2J; MUSCULAR DYSTROPHY, LIMB-GIRDLE, AUTOSOMAL RECESSIVE 10. Identifiers: Orphanet 140922, MedGen C1837342, MONDO:0012127, OMIM 608807.
Dilated cardiomyopathy 1G (CMD1G). Identifiers: Orphanet 154, MedGen C1858763, MONDO:0011400, OMIM 604145.
Early-onset myopathy with fatal cardiomyopathy (CMYO5). Also called: Salih Myopathy; CONGENITAL MYOPATHY 5 WITH CARDIOMYOPATHY. Identifiers: Orphanet 289377, MedGen C2673677, MONDO:0012714, OMIM 611705. Disease mechanism: loss of function.
Tibial muscular dystrophy (TMD). Also called: Udd Distal Myopathy – Tibial Muscular Dystrophy; UDD MYOPATHY; Tibial muscular dystrophy, tardive. Identifiers: Orphanet 609, MedGen C1838244, MONDO:0010870, OMIM 600334.
Hypertrophic cardiomyopathy 9. Also called: Familial hypertrophic cardiomyopathy 9. Identifiers: MedGen C1861065, MONDO:0013412, OMIM 613765.

Allele frequency attached by ClinVar (database versions not stated): gnomAD exomes below 0.00001 and 0.00001; gnomAD 0.00001; ExAC 0.00002; TOPMed 0.00002.
gnomAD v4.1: 7 of 1,613,438 alleles (0.00043%); highest among the groups gnomAD compares: African/African-American, 0.0067%; no homozygotes.

Submissions (3):

PreventionGenetics, part of Exact Sciences
Classification: Uncertain significance for TTN-related condition. Last evaluated: 2026-07-06. Review status: criteria provided, single submitter. Criteria: ACMG Guidelines, 2015. Collection method: clinical testing. Allele origin: germline.
Comment: The TTN c.24322A>G variant is predicted to result in the amino acid substitution p.Lys8108Glu. To our knowledge, this variant has not been reported in the literature. This variant is reported in 0.019% of alleles in individuals of African descent in gnomAD. At this time, the clinical significance of this variant is uncertain due to the absence of conclusive functional and genetic evidence.

Fulgent Genetics
Classification: Uncertain significance for Tibial muscular dystrophy; Myopathy, myofibrillar, 9, with early respiratory failure; Dilated cardiomyopathy 1G; Autosomal recessive limb-girdle muscular dystrophy type 2J; Early-onset myopathy with fatal cardiomyopathy; Hypertrophic cardiomyopathy 9. Last evaluated: 2021-09-29. Review status: criteria provided, single submitter. Criteria: ACMG Guidelines, 2015. Collection method: clinical testing. Allele origin: unknown.

Eurofins Ntd Llc (ga)
Classification: Uncertain significance. Last evaluated: 2017-05-04. Review status: criteria provided, single submitter. Criteria: EGL Classification Definitions 2015. Collection method: clinical testing. Allele origin: germline. Observed: 1 variant allele, 1 heterozygote.